The following is an entry in ClinVar:

ClinVar aggregate classification (germline): Uncertain significance (1 of 4 stars; one submission).

Conditions:
POLD1-related polyposis and colorectal cancer syndrome (CRCS10). Also called: Colorectal cancer, susceptibility to, 10; Colorectal cancer 10; COLORECTAL CANCER, SUSCEPTIBILITY TO, ON CHROMOSOME 19q. Identifiers: Orphanet 220460, MedGen C2675481, MONDO:0012953, OMIM 612591.

Allele frequency attached by ClinVar (database versions not stated): gnomAD exomes below 0.00001 and 0.00001; TOPMed below 0.00001; gnomAD 0.00001; ExAC 0.00002.
gnomAD v4.1: 3 of 1,605,524 alleles (0.00019%); highest among the groups gnomAD compares: Non-Finnish European, 0.00026%; no homozygotes.

Submission:

Labcorp Genetics (formerly Invitae), Labcorp
Classification: Uncertain significance for POLD1-related polyposis and colorectal cancer syndrome. Last evaluated: 2019-01-10. Review status: criteria provided, single submitter. Criteria: Invitae Variant Classification Sherloc (09022015). Collection method: clinical testing. Allele origin: germline.
Comment: In summary, the available evidence is currently insufficient to determine the role of this variant in disease. Therefore, it has been classified as a Variant of Uncertain Significance. Algorithms developed to predict the effect of missense changes on protein structure and function (SIFT, PolyPhen-2, Align-GVGD) all suggest that this variant is likely to be disruptive, but these predictions have not been confirmed by published functional studies and their clinical significance is uncertain. This variant has not been reported in the literature in individuals with POLD1-related conditions. This variant is present in population databases (rs750694968, ExAC 0.003%). This sequence change replaces cysteine with serine at codon 713 of the POLD1 protein (p.Cys713Ser). The cysteine residue is highly conserved and there is a moderate physicochemical difference between cysteine and serine.

NM_002691.4(POLD1):c.2137T>A (p.Cys713Ser)

Gene: POLD1 (DNA polymerase delta 1, catalytic subunit; plus strand). Cytogenetic location: 19q13.33.
Variant type: single nucleotide variant.
Coding change: c.2137T>A on transcript NM_002691.4 (MANE Select); coding-DNA position 2137, T replaced by A.
Protein change: p.Cys713Ser; replaces cysteine 713 with serine.
Molecular consequence: missense variant. On other transcripts: non-coding transcript variant (1).
Genome position (GRCh38, 1-based): chr19:50,409,649, T>A. VCF-style: chr19-50409649-T-A. GRCh37 (hg19) VCF-style: chr19-50912906-T-A.
Other names: c.2137T>A, p.Cys713Ser (NM_001256849.1); c.2215T>A, p.Cys739Ser (NM_001308632.1); short protein forms C713S, C739S.
Identifiers: ClinVar variation 651049 (VCV000651049.10), dbSNP rs750694968, ClinGen allele CA9596391.